The following is an entry in ClinVar:

ClinVar aggregate classification (germline): Uncertain significance (1 of 4 stars; one submission).

Conditions:
Cranioectodermal dysplasia 4 (CED4). Identifiers: Orphanet 1515, MedGen C3280616, MONDO:0013719, OMIM 614378.
Spermatogenic failure 72 (SPGF72). Identifiers: MedGen C5676980, MONDO:0030809, OMIM 619867.
Senior-Loken syndrome 8 (SLSN8). Identifiers: Orphanet 3156, MedGen C4225376, MONDO:0014579, OMIM 616307.
Asphyxiating thoracic dystrophy 5 (SRTD5). Also called: SHORT-RIB THORACIC DYSPLASIA 5 WITHOUT POLYDACTYLY; SHORT-RIB THORACIC DYSPLASIA 5 WITH OR WITHOUT POLYDACTYLY. Identifiers: Orphanet 474, MedGen C3280598, MONDO:0013717, OMIM 614376.
Nephronophthisis 13 (NPHP13). Identifiers: Orphanet 655, MedGen C3280612, MONDO:0013718, OMIM 614377.

Submission:

Juno Genomics, Hangzhou Juno Genomics, Inc
Classification: Uncertain significance for Spermatogenic failure 72; Cranioectodermal dysplasia 4; Nephronophthisis 13; Senior-Loken syndrome 8; Asphyxiating thoracic dystrophy 5. Review status: criteria provided, single submitter. Criteria: ACMG Guidelines, 2015. Collection method: clinical testing. Allele origin: germline.
Comment: Absent from controls (or at extremely low frequency if recessive) in Genome Aggregation Database.;Multiple lines of computational evidence support a deleterious effect on the gene or gene product.

NM_025132.4(WDR19):c.961G>A (p.Gly321Arg)

Gene: WDR19 (WD repeat domain 19; plus strand). Cytogenetic location: 4p14.
Variant type: single nucleotide variant.
Coding change: c.961G>A on transcript NM_025132.4 (MANE Select); coding-DNA position 961, G replaced by A.
Protein change: p.Gly321Arg; replaces glycine 321 with arginine.
Molecular consequence: missense variant.
Genome position (GRCh38, 1-based): chr4:39,214,671, G>A. VCF-style: chr4-39214671-G-A. GRCh37 (hg19) VCF-style: chr4-39216291-G-A.
Other names: c.481G>A, p.Gly161Arg (NM_001317924.2); short protein forms G161R, G321R.
Identifiers: ClinVar variation 5019313 (VCV005019313.2).
Genomic context (GRCh38, chr4:39,214,671, plus strand): 5'-CAAGACTTGGTTGACTTAAAAGACATGTATGTTATACTCAACCTGGATGAGGAAAATAAA[G>A]GTATTGATTTTTCTGAAGCAGATTGACATTTTATCATTCCAGTTACAGAGAGTAAGGTTG-3'
Protein context (NP_079408.3, residues 311-331): VILNLDEENK[Gly321Arg]LGTLSWTDDG